The following is an entry in ClinVar:

NM_014045.5(LRP10):c.415A>G (p.Met139Val)

Gene: LRP10 (LDL receptor related protein 10; plus strand). Cytogenetic location: 14q11.2.
Variant type: single nucleotide variant.
Coding change: c.415A>G on transcript NM_014045.5 (MANE Select); coding-DNA position 415, A replaced by G.
Protein change: p.Met139Val; replaces methionine 139 with valine.
Molecular consequence: missense variant.
Genome position (GRCh38, 1-based): chr14:22,875,363, A>G. VCF-style: chr14-22875363-A-G. GRCh37 (hg19) VCF-style: chr14-23344572-A-G.
Other names: NC_000014.8:g.23344572A>G; p.Met139Val; c.415A>G (NM_014045.4); c.415A>G, p.Met139Val (NM_001329226.2); short protein forms M139V.
Identifiers: ClinVar variation 1237895 (VCV001237895.8), dbSNP rs28534929, ClinGen allele CA7105710.

ClinVar aggregate classification (germline): Benign. Review status: criteria provided, multiple submitters, no conflicts (2 of 4 stars). 4 submissions from 4 submitters: Benign (3). 1 of the submissions does not count toward it. Last evaluated 2023-04-14.

Conditions:
LRP10-related disorder. Also called: LRP10-related condition.

Allele frequency attached by ClinVar (database versions not stated): 1000 Genomes Project 0.01997; 1000 Genomes Project 30x 0.02092; TOPMed 0.02346; ESP Exome Variant Server 0.02038.

Submissions (11):

Mayo Clinic Laboratories, Mayo Clinic
Classification: Benign. Last evaluated: 2023-04-14. Review status: criteria provided, single submitter. Criteria: ACMG Guidelines, 2015. Collection method: clinical testing. Allele origin: germline. Observed: 7 variant alleles.

GeneDx
Classification: Benign. Last evaluated: 2021-05-05. Review status: criteria provided, single submitter. Criteria: GeneDx Variant Classification Process June 2021. Collection method: clinical testing. Allele origin: germline. Affected: yes.

Breakthrough Genomics
Classification: Benign. Review status: criteria provided, single submitter. Criteria: ACMG Guidelines, 2015. Collection method: not provided. Allele origin: germline. Inheritance: Unknown mechanism. Affected: yes.

PreventionGenetics, part of Exact Sciences
Classification: Benign for LRP10-related condition. Last evaluated: 2019-02-18. Review status: no assertion criteria provided. Collection method: clinical testing. Allele origin: germline. Not counted in ClinVar's aggregate classification.
Comment: This variant is classified as benign based on ACMG/AMP sequence variant interpretation guidelines (Richards et al. 2015 PMID: 25741868, with internal and published modifications).

Dr. Peter K. Rogan Lab, Western University
No classification provided (evidence only). Condition: Clear cell carcinoma of kidney. Review status: no classification provided. Collection method: in vitro. Allele origin: not applicable. Functional consequence: skipped exon, retained intron. Not counted in ClinVar's aggregate classification.

Dr. Peter K. Rogan Lab, Western University
No classification provided (evidence only). Condition: Lung cancer. Review status: no classification provided. Collection method: in vitro. Allele origin: not applicable. Functional consequence: retained intron. Not counted in ClinVar's aggregate classification.

Dr. Peter K. Rogan Lab, Western University
No classification provided (evidence only). Condition: Lung cancer. Review status: no classification provided. Collection method: in vitro. Allele origin: not applicable. Functional consequence: retained intron. Not counted in ClinVar's aggregate classification.

Dr. Peter K. Rogan Lab, Western University
No classification provided (evidence only). Condition: Uterine corpus endometrial carcinoma. Review status: no classification provided. Collection method: in vitro. Allele origin: not applicable. Functional consequence: retained intron. Not counted in ClinVar's aggregate classification.

Dr. Peter K. Rogan Lab, Western University
No classification provided (evidence only). Condition: Uterine corpus endometrial carcinoma. Review status: no classification provided. Collection method: in vitro. Allele origin: not applicable. Functional consequence: retained intron. Not counted in ClinVar's aggregate classification.

Dr. Peter K. Rogan Lab, Western University
No classification provided (evidence only). Condition: Uterine corpus endometrial carcinoma. Review status: no classification provided. Collection method: in vitro. Allele origin: not applicable. Functional consequence: retained intron. Not counted in ClinVar's aggregate classification.

Dr. Peter K. Rogan Lab, Western University
No classification provided (evidence only). Condition: Hepatocellular carcinoma. Review status: no classification provided. Collection method: in vitro. Allele origin: not applicable. Functional consequence: retained intron. Not counted in ClinVar's aggregate classification.